The following is an entry in ClinVar:

ClinVar aggregate classification (germline): Conflicting classifications of pathogenicity. Review status: criteria provided, conflicting classifications (1 of 4 stars). 5 submissions from 5 submitters: Uncertain significance (3); Likely benign (1). 1 of the submissions does not count toward it. Last evaluated 2025-07-21.

Conditions:
ATM-related cancer predisposition. Also called: ATM-related cancer susceptibility. Identifiers: MedGen CN377759, MONDO:0700270.
Hereditary cancer-predisposing syndrome. Also called: Hereditary neoplastic syndrome; Neoplastic Syndromes, Hereditary; Hereditary Cancer Syndrome; Tumor predisposition. Identifiers: Orphanet 140162, MedGen C0027672, MeSH D009386, MONDO:0015356.
Ataxia-telangiectasia syndrome (AT). Also called: Ataxia telangiectasia (A-T); Cerebello-oculocutaneous telangiectasia; Immunodeficiency with ataxia telangiectasia; Ataxia-telangiectasia; Ataxia-telangiectasia, complementation group D; AT, COMPLEMENTATION GROUP C. Identifiers: Orphanet 100, MedGen C0004135, MONDO:0008840, OMIM 208900.

Allele frequency attached by ClinVar (database versions not stated): gnomAD exomes below 0.00001 and 0.00002; gnomAD 0.00002; TOPMed 0.00002; ExAC 0.00002.
gnomAD v4.1: 9 of 1,613,598 alleles (0.00056%); highest among the groups gnomAD compares: East Asian, 0.018%; no homozygotes.

Submissions (5):

Color Diagnostics, LLC DBA Color Health
Classification: Uncertain significance for Hereditary cancer-predisposing syndrome. Last evaluated: 2025-07-21. Review status: criteria provided, single submitter. Criteria: ACMG Guidelines, 2015. Collection method: clinical testing. Allele origin: germline.
Comment: This missense variant replaces histidine with asparagine at codon 17 of the ATM protein. Computational prediction suggests that this variant may not impact protein structure and function. To our knowledge, functional studies have not been reported for this variant. In a large international case-control study, this variant was reported in 5/60466 breast cancer cases and 5/53461 controls (PMID: 33471991). This variant has been identified in 7/282754 chromosomes in the general population by the Genome Aggregation Database (gnomAD). The available evidence is insufficient to determine the role of this variant in disease conclusively. Therefore, this variant is classified as a Variant of Uncertain Significance.

Labcorp Genetics (formerly Invitae), Labcorp
Classification: Uncertain significance for Ataxia-telangiectasia syndrome. Last evaluated: 2024-11-20. Review status: criteria provided, single submitter. Criteria: Invitae Variant Classification Sherloc (09022015). Collection method: clinical testing. Allele origin: germline.
Comment: This sequence change replaces histidine, which is basic and polar, with asparagine, which is neutral and polar, at codon 17 of the ATM protein (p.His17Asn). This variant is present in population databases (no rsID available, gnomAD 0.04%). This variant has not been reported in the literature in individuals affected with ATM-related conditions. ClinVar contains an entry for this variant (Variation ID: 229721). Invitae Evidence Modeling of protein sequence and biophysical properties (such as structural, functional, and spatial information, amino acid conservation, physicochemical variation, residue mobility, and thermodynamic stability) indicates that this missense variant is not expected to disrupt ATM protein function with a negative predictive value of 95%. In summary, the available evidence is currently insufficient to determine the role of this variant in disease. Therefore, it has been classified as a Variant of Uncertain Significance.

Department of Pathology and Laboratory Medicine, Sinai Health System
Classification: Uncertain significance for ATM-related cancer predisposition. Last evaluated: 2024-10-04. Review status: criteria provided, single submitter. Criteria: ACMG Guidelines, 2015. Collection method: clinical testing. Allele origin: germline. Affected: yes.

Ambry Genetics
Classification: Likely benign for Hereditary cancer-predisposing syndrome. Last evaluated: 2024-02-16. Review status: criteria provided, single submitter. Criteria: Ambry Variant Classification Scheme 2023. Collection method: clinical testing. Allele origin: germline.

Natera, Inc.
Classification: Uncertain significance for Ataxia-telangiectasia. Last evaluated: 2020-09-16. Review status: no assertion criteria provided. Collection method: clinical testing. Allele origin: germline. Not counted in ClinVar's aggregate classification.

Literature cited by the submitters: PubMed 33471991 (cited by Color Diagnostics, LLC DBA Color Health and Department of Pathology and Laboratory Medicine, Sinai Health System); PubMed 32885271 (cited by Ambry Genetics).

NM_000051.4(ATM):c.49C>A (p.His17Asn)

Gene: ATM (ATM serine/threonine kinase; plus strand). Cytogenetic location: 11q22.3.
Variant type: single nucleotide variant.
Coding change: c.49C>A on transcript NM_000051.4 (MANE Select); coding-DNA position 49, C replaced by A.
Protein change: p.His17Asn; replaces histidine 17 with asparagine.
Molecular consequence: missense variant.
Genome position (GRCh38, 1-based): chr11:108,227,673, C>A. VCF-style: chr11-108227673-C-A. GRCh37 (hg19) VCF-style: chr11-108098400-C-A.
Other names: c.49C>A, p.His17Asn (NM_001351834.2, NM_001351835.2, NM_001351836.2); short protein forms H17N.
Identifiers: ClinVar variation 229721 (VCV000229721.20), dbSNP rs876658161, ClinGen allele CA6264501.